The following is an entry in ClinVar:

ClinVar aggregate classification (germline): Conflicting classifications of pathogenicity. Review status: criteria provided, conflicting classifications (1 of 4 stars). 2 submissions from 2 submitters: Pathogenic (1); Uncertain significance (1). Last evaluated 2022-02-17.

gnomAD v4.1: 15 of 1,577,892 alleles (0.00095%); highest among the groups gnomAD compares: African/African-American, 0.0014%; no homozygotes.

Submissions (2):

Labcorp Genetics (formerly Invitae), Labcorp
Classification: Pathogenic. Last evaluated: 2022-02-17. Review status: criteria provided, single submitter. Criteria: Invitae Variant Classification Sherloc (09022015). Collection method: clinical testing. Allele origin: germline.
Comment: This sequence change affects the initiator methionine of the MSRB3 mRNA. The next in-frame methionine is located at codon 128. This variant is present in population databases (no rsID available, gnomAD 0.001%). This variant has not been reported in the literature in individuals affected with MSRB3-related conditions. This variant disrupts a region of the MSRB3 protein in which other variant(s) (p.Cys89Gly) have been determined to be pathogenic (PMID: 21185009). This suggests that this is a clinically significant region of the protein, and that variants that disrupt it are likely to be disease-causing. For these reasons, this variant has been classified as Pathogenic.

GeneDx
Classification: Uncertain significance. Last evaluated: 2022-02-01. Review status: criteria provided, single submitter. Criteria: GeneDx Variant Classification Process June 2021. Collection method: clinical testing. Allele origin: germline. Affected: yes.
Comment: Not observed at significant frequency in large population cohorts (gnomAD); Has not been previously published as pathogenic or benign to our knowledge

Literature cited by the submitters: PubMed 21185009 (cited by Labcorp Genetics (formerly Invitae), Labcorp).

NM_001031679.3(MSRB3):c.-147T>C

Gene: MSRB3 (methionine sulfoxide reductase B3; plus strand). Cytogenetic location: 12q14.3.
Variant type: single nucleotide variant.
Coding change: c.-147T>C on transcript NM_001031679.3 (MANE Select); 147 bases upstream of the start codon, T replaced by C.
Molecular consequence: 5 prime UTR variant. On other transcripts: missense variant (1), initiator codon variant (1).
Genome position (GRCh38, 1-based): chr12:65,278,770, T>C. VCF-style: chr12-65278770-T-C. GRCh37 (hg19) VCF-style: chr12-65672550-T-C.
Other names: c.-311T>C (NM_001193460.2); c.2T>C, p.Met1Thr (NM_198080.4); short protein forms M1T.
Identifiers: ClinVar variation 1699605 (VCV001699605.8), dbSNP rs949229098, ClinGen allele CA238919231.